The following is an entry in ClinVar:

ClinVar aggregate classification (germline): Pathogenic (1 of 4 stars; one submission).

Submission:

Labcorp Genetics (formerly Invitae), Labcorp
Classification: Pathogenic. Last evaluated: 2023-04-25. Review status: criteria provided, single submitter. Criteria: Invitae Variant Classification Sherloc (09022015). Collection method: clinical testing. Allele origin: germline.
Comment: This variant is not present in population databases (gnomAD no frequency). This sequence change creates a premature translational stop signal (p.Ala1260Leufs*2) in the ABCB11 gene. While this is not anticipated to result in nonsense mediated decay, it is expected to disrupt the last 62 amino acid(s) of the ABCB11 protein. This variant has not been reported in the literature in individuals affected with ABCB11-related conditions. For these reasons, this variant has been classified as Pathogenic. This variant disrupts a region of the ABCB11 protein in which other variant(s) (p.Glu1302*) have been determined to be pathogenic (PMID: 18395098, 31015375). This suggests that this is a clinically significant region of the protein, and that variants that disrupt it are likely to be disease-causing.

Literature cited by the submitters: PubMed 18395098; PubMed 31015375.

NM_003742.4(ABCB11):c.3777del (p.Ala1260fs)

Gene: ABCB11 (ATP binding cassette subfamily B member 11; minus strand). Cytogenetic location: 2q31.1.
Variant type: Deletion.
Coding change: c.3777del on transcript NM_003742.4 (MANE Select); coding-DNA position 3777, one base deleted (T; older notation c.3777delT).
Protein change: p.Ala1260fs; shifts the reading frame from alanine 1260.
Molecular consequence: frameshift variant.
Genome position (GRCh38, 1-based): chr2:168,923,811, A deleted on the plus strand (T on the coding strand, the reverse complement: ABCB11 is on the minus strand); the first of 2 consecutive A bases (chr2:168,923,811-168,923,812); deleting either gives the same sequence. VCF-style (leftmost placement, unchanged base first): chr2-168923810-CA-C. GRCh37 (hg19) VCF-style: chr2-169780320-CA-C.
Other names: short protein forms A1260fs.
Identifiers: ClinVar variation 2859209 (VCV002859209.3), dbSNP rs2545224702, ClinGen allele CA2739271528.
Genomic context (GRCh38, chr2:168,923,810, plus strand): 5'-TGGTGGACAAGCGATGGGCAATGACAATGCAGGTCCGACCCTCTCTGGCTTTGTCTAGAG[CA>C]ACCTGCACCGTCTGCAAAGAGAAGATGGAAAGTTGATGCAAAGATGCATGATTGCTCCCC-3'